The following is an entry in ClinVar:

NM_016824.5(ADD3):c.995A>G (p.Asn332Ser)

Gene: ADD3 (adducin 3; plus strand). Cytogenetic location: 10q25.2.
Variant type: single nucleotide variant.
Coding change: c.995A>G on transcript NM_016824.5 (MANE Select); coding-DNA position 995, A replaced by G.
Protein change: p.Asn332Ser; replaces asparagine 332 with serine.
Molecular consequence: missense variant.
Genome position (GRCh38, 1-based): chr10:110,122,144, A>G. VCF-style: chr10-110122144-A-G. GRCh37 (hg19) VCF-style: chr10-111881902-A-G.
Other names: c.995A>G, p.Asn332Ser (NM_001121.4, NM_001320591.2, NM_001320592.2 and 2 more transcripts); c.761A>G, p.Asn254Ser (NM_001320594.2); short protein forms N254S, N332S.
Identifiers: ClinVar variation 1028031 (VCV001028031.6), dbSNP rs41291894, ClinGen allele CA5686514.

ClinVar aggregate classification (germline): Uncertain significance. Review status: criteria provided, multiple submitters, no conflicts (2 of 4 stars). 3 submissions from 3 submitters: Uncertain significance (2). 1 of the submissions does not count toward it. Last evaluated 2025-01-15.

Conditions:
Cerebral palsy, spastic quadriplegic, 3 (CPSQ3). Identifiers: Orphanet 210141, MedGen C4310767, MONDO:0014862, OMIM 617008.

Allele frequency attached by ClinVar (database versions not stated): ExAC 0.00065; gnomAD exomes 0.00066 and 0.00116; gnomAD 0.00068 and 0.00076; ESP Exome Variant Server 0.00092; TOPMed 0.00096.
gnomAD v4.1: 1,786 of 1,613,956 alleles (0.11%); highest among the groups gnomAD compares: Non-Finnish European, 0.14%; 3 homozygotes.

Submissions (3):

Labcorp Genetics (formerly Invitae), Labcorp
Classification: Uncertain significance. Last evaluated: 2025-01-15. Review status: criteria provided, single submitter. Criteria: Invitae Variant Classification Sherloc (09022015). Collection method: clinical testing. Allele origin: germline.
Comment: This sequence change replaces asparagine, which is neutral and polar, with serine, which is neutral and polar, at codon 332 of the ADD3 protein (p.Asn332Ser). This variant is present in population databases (rs41291894, gnomAD 0.1%), and has an allele count higher than expected for a pathogenic variant. This missense change has been observed in individual(s) with microcephaly and intellectual disability (PMID: 29768408). ClinVar contains an entry for this variant (Variation ID: 1028031). Invitae Evidence Modeling of protein sequence and biophysical properties (such as structural, functional, and spatial information, amino acid conservation, physicochemical variation, residue mobility, and thermodynamic stability) indicates that this missense variant is expected to disrupt ADD3 protein function with a positive predictive value of 80%. In summary, the available evidence is currently insufficient to determine the role of this variant in disease. Therefore, it has been classified as a Variant of Uncertain Significance.

Baylor Genetics
Classification: Uncertain significance for Cerebral palsy, spastic quadriplegic, 3. Last evaluated: 2019-01-11. Review status: criteria provided, single submitter. Criteria: ACMG Guidelines, 2015. Collection method: clinical testing. Allele origin: paternal. Affected: yes.
Comment: This variant was determined to be of uncertain significance according to ACMG Guidelines, 2015 [PMID:25741868].

OMIM
Classification: Pathogenic for CEREBRAL PALSY, SPASTIC QUADRIPLEGIC, 3. Last evaluated: 2024-02-15. Review status: no assertion criteria provided. Collection method: literature only. Allele origin: germline. Not counted in ClinVar's aggregate classification.

Literature cited by the submitters: PubMed 29768408 (cited by Labcorp Genetics (formerly Invitae), Labcorp and OMIM).